The following is an entry in ClinVar:

ClinVar aggregate classification (germline): Pathogenic/Likely pathogenic. Review status: criteria provided, multiple submitters, no conflicts (2 of 4 stars). 8 submissions from 8 submitters: Pathogenic (3); Likely pathogenic (2). 3 of the submissions do not count toward it. Last evaluated 2025-12-01.

Conditions:
Cardiovascular phenotype. Identifiers: MedGen CN230736.
Hypertrophic cardiomyopathy. Also called: HYPERTROPHIC MYOCARDIOPATHY. Identifiers: Orphanet 217569, MedGen C0007194, MeSH D002312, MONDO:0005045, HP:0001639.

Allele frequency attached by ClinVar (database versions not stated): gnomAD exomes below 0.00001.
gnomAD v4.1: 1 of 1,561,620 alleles (0.000064%); highest among the groups gnomAD compares: Non-Finnish European, 0.000086%; no homozygotes.

Submissions (8):

Labcorp Genetics (formerly Invitae), Labcorp
Classification: Pathogenic for Hypertrophic cardiomyopathy. Last evaluated: 2025-12-01. Review status: criteria provided, single submitter. Criteria: Invitae Variant Classification Sherloc (09022015). Collection method: clinical testing. Allele origin: germline.
Comment: This sequence change affects an acceptor splice site in intron 13 of the MYBPC3 gene. It is expected to disrupt RNA splicing. Variants that disrupt the donor or acceptor splice site typically lead to a loss of protein function (PMID: 16199547), and loss-of-function variants in MYBPC3 are known to be pathogenic (PMID: 19574547). This variant is not present in population databases (gnomAD no frequency). Disruption of this splice site has been observed in individuals with hypertrophic cardiomyopathy (PMID: 12707239, 27532257; internal data). This variant is also known as IVS14–2:a10385g. ClinVar contains an entry for this variant (Variation ID: 42511). For these reasons, this variant has been classified as Pathogenic.

Ambry Genetics
Classification: Likely pathogenic for Cardiovascular phenotype. Last evaluated: 2024-08-11. Review status: criteria provided, single submitter. Criteria: Ambry Variant Classification Scheme 2023. Collection method: clinical testing. Allele origin: germline.
Comment: The c.1224-2A>G intronic variant results from an A to G substitution two nucleotides before coding exon 14 in the MYBPC3 gene. This variant has been detected in individuals with features consistent with hypertrophic cardiomyopathy (Richard P et al. Circulation, 2003 May;107:2227-32; Lopes LR et al. Heart, 2015 Feb;101:294-301; Walsh R et al. Genet Med, 2017 Feb;19:192-203; Frank-Hansen R et al. Eur J Hum Genet, 2008 Sep;16:1062-9; Ware SM et al. J Am Heart Assoc, 2021 May;10:e017731; Ambry internal data). RNA studies by one group have demonstrated that this alteration results in abnormal splicing resulting in a frameshift and premature truncation (Frank-Hansen R et al. Eur J Hum Genet, 2008 Sep;16:1062-9). This variant is considered to be rare based on population cohorts in the Genome Aggregation Database (gnomAD). This nucleotide position is highly conserved in available vertebrate species. In silico splice site analysis predicts that this alteration may weaken the native splice acceptor site. In addition to the clinical data presented in the literature alterations that disrupt the canonical splice site are expected to cause aberrant splicing, resulting in an abnormal protein or a transcript that is subject to nonsense-mediated mRNA decay. As such, this alteration is classified as likely pathogenic.

GeneDx
Classification: Pathogenic. Last evaluated: 2024-07-23. Review status: criteria provided, single submitter. Criteria: GeneDx Variant Classification Process June 2021. Collection method: clinical testing. Allele origin: germline. Affected: yes.
Comment: Published RNA studies demonstrate disruption of the canonical splice acceptor site of exon 14, resulting in a shift in reading frame and creation of a premature termination codon in exon 15; loss-of-function is a known mechanism of disease for this gene (PMID: 18337725); Not observed at significant frequency in large population cohorts (gnomAD); This variant is associated with the following publications: (PMID: 22267749, 27532257, 28986452, 18337725, 29998127, 12707239, 33906374, 37652022)

Revvity Omics, Revvity
Classification: Pathogenic. Last evaluated: 2019-05-06. Review status: criteria provided, single submitter. Criteria: ACMG Guidelines, 2015. Collection method: clinical testing. Allele origin: germline.

Stanford Center for Inherited Cardiovascular Disease, Stanford University
Classification: Likely pathogenic. Last evaluated: 2014-06-10. Review status: criteria provided, single submitter. Criteria: ACMG Guidelines, 2015. Collection method: provider interpretation. Allele origin: germline.

Laboratory for Molecular Medicine, Mass General Brigham Personalized Medicine
Classification: Pathogenic for Hypertrophic cardiomyopathy. Last evaluated: 2006-10-28. Review status: no assertion criteria provided. Collection method: clinical testing. Allele origin: germline. Observed: 3 variant alleles. Not counted in ClinVar's aggregate classification.

Clinical Genetics DNA and cytogenetics Diagnostics Lab, Erasmus MC, Erasmus Medical Center
Classification: Pathogenic. Review status: no assertion criteria provided. Collection method: clinical testing. Allele origin: germline. Affected: yes. Study: VKGL Data-share Consensus. Not counted in ClinVar's aggregate classification.

Joint Genome Diagnostic Labs from Nijmegen and Maastricht, Radboudumc and MUMC+
Classification: Likely pathogenic. Review status: no assertion criteria provided. Collection method: clinical testing. Allele origin: germline. Affected: yes. Study: VKGL Data-share Consensus. Not counted in ClinVar's aggregate classification.

Literature cited by the submitters: PubMed 16199547 (cited by Labcorp Genetics (formerly Invitae), Labcorp); PubMed 19574547 (cited by Labcorp Genetics (formerly Invitae), Labcorp); PubMed 12707239 (cited by Labcorp Genetics (formerly Invitae), Labcorp and Ambry Genetics); PubMed 27532257 (cited by Labcorp Genetics (formerly Invitae), Labcorp and Ambry Genetics); PubMed 18337725 (cited by Ambry Genetics); PubMed 25351510 (cited by Ambry Genetics); PubMed 33906374 (cited by Ambry Genetics).

NM_000256.3(MYBPC3):c.1224-2A>G

Gene: MYBPC3 (myosin binding protein C3; minus strand). Cytogenetic location: 11p11.2.
Variant type: single nucleotide variant.
Coding change: c.1224-2A>G on transcript NM_000256.3 (MANE Select); the canonical splice acceptor site of the intron before coding-DNA position 1224, A replaced by G.
Molecular consequence: splice acceptor variant.
Genome position (GRCh38, 1-based): chr11:47,343,264, T>C on the plus strand (A>G on the coding strand, the complement: MYBPC3 is on the minus strand). VCF-style: chr11-47343264-T-C. GRCh37 (hg19) VCF-style: chr11-47364815-T-C.
Identifiers: ClinVar variation 42511 (VCV000042511.24), dbSNP rs397515891, ClinGen allele CA009918.